The following is an entry in ClinVar:

NM_001267550.2(TTN):c.78034C>T (p.His26012Tyr)

Genes: TTN-AS1 (TTN antisense RNA 1; plus strand), TTN (titin; minus strand). Cytogenetic location: 2q31.2.
Variant type: single nucleotide variant.
Coding change: c.78034C>T on transcript NM_001267550.2 (MANE Select); coding-DNA position 78034, C replaced by T.
Protein change: p.His26012Tyr; replaces histidine 26012 with tyrosine.
Molecular consequence: missense variant.
Genome position (GRCh38, 1-based): chr2:178,568,098, G>A on the plus strand (C>T on the coding strand, the complement: TTN is on the minus strand). VCF-style: chr2-178568098-G-A. GRCh37 (hg19) VCF-style: chr2-179432825-G-A.
Other names: c.73111C>T, p.His24371Tyr (NM_001256850.1); c.50839C>T, p.His16947Tyr (NM_003319.4); c.70330C>T, p.His23444Tyr (NM_133378.4); c.51214C>T, p.His17072Tyr (NM_133432.3); c.51415C>T, p.His17139Tyr (NM_133437.4); short protein forms H16947Y, H17072Y, H17139Y, H23444Y, H24371Y, H26012Y.
Identifiers: ClinVar variation 4875118 (VCV004875118.2).

ClinVar aggregate classification (germline): Uncertain significance (1 of 4 stars; one submission).

Submission:

CeGaT Center for Human Genetics Tuebingen
Classification: Uncertain significance. Last evaluated: 2026-06-01. Review status: criteria provided, single submitter. Criteria: CeGaT Center For Human Genetics Tuebingen Variant Classification Criteria Version 2. Collection method: clinical testing. Allele origin: germline. Affected: yes. Observed: 1 variant allele.
Comment: TTN: PM2, BP4